The following is an entry in ClinVar:

NM_000426.4(LAMA2):c.3869A>G (p.His1290Arg)

Gene: LAMA2 (laminin subunit alpha 2; plus strand). Cytogenetic location: 6q22.33.
Variant type: single nucleotide variant.
Coding change: c.3869A>G on transcript NM_000426.4 (MANE Select); coding-DNA position 3869, A replaced by G.
Protein change: p.His1290Arg; replaces histidine 1290 with arginine.
Molecular consequence: missense variant.
Genome position (GRCh38, 1-based): chr6:129,315,895, A>G. VCF-style: chr6-129315895-A-G. GRCh37 (hg19) VCF-style: chr6-129637040-A-G.
Other names: c.3869A>G, p.His1290Arg (NM_001079823.2); short protein forms H1290R.
Identifiers: ClinVar variation 1353239 (VCV001353239.8), dbSNP rs2114502418, ClinGen allele CA365613448.

ClinVar aggregate classification (germline): Uncertain significance (1 of 4 stars; one submission).

Conditions:
LAMA2-related muscular dystrophy (LAMA2-RD). Also called: Laminin alpha 2-related dystrophy. Identifiers: MedGen C5679788, MONDO:0100228.

Allele frequency attached by ClinVar (database versions not stated): gnomAD exomes below 0.00001.
gnomAD v4.1: 3 of 1,614,150 alleles (0.00019%); highest among the groups gnomAD compares: East Asian, 0.0022%; no homozygotes.

Submission:

Labcorp Genetics (formerly Invitae), Labcorp
Classification: Uncertain significance for LAMA2-related muscular dystrophy. Last evaluated: 2023-05-22. Review status: criteria provided, single submitter. Criteria: Invitae Variant Classification Sherloc (09022015). Collection method: clinical testing. Allele origin: germline.
Comment: In summary, the available evidence is currently insufficient to determine the role of this variant in disease. Therefore, it has been classified as a Variant of Uncertain Significance. Advanced modeling of protein sequence and biophysical properties (such as structural, functional, and spatial information, amino acid conservation, physicochemical variation, residue mobility, and thermodynamic stability) performed at Invitae indicates that this missense variant is not expected to disrupt LAMA2 protein function. ClinVar contains an entry for this variant (Variation ID: 1353239). This variant has not been reported in the literature in individuals affected with LAMA2-related conditions. This variant is not present in population databases (gnomAD no frequency). This sequence change replaces histidine, which is basic and polar, with arginine, which is basic and polar, at codon 1290 of the LAMA2 protein (p.His1290Arg).